The following continues an entry in ClinVar:

NM_024675.4(PALB2):c.3146T>C (p.Met1049Thr)

Gene: PALB2. ClinVar aggregate classification (germline): Conflicting classifications of pathogenicity. Uncertain significance (13); Likely benign (2).

Submissions 14 to 18 of 18:

Women's Health and Genetics/Laboratory Corporation of America, LabCorp
Classification: Uncertain significance. Last evaluated: 2019-06-06. Review status: criteria provided, single submitter. Criteria: LabCorp Variant Classification Summary - May 2015. Collection method: clinical testing. Allele origin: germline.
Comment: Variant summary: PALB2 c.3146T>C (p.Met1049Thr) results in a non-conservative amino acid change located in the Partner and localiser of BRCA2, WD40 domain (IPR031920) of the encoded protein sequence. Four of five in-silico tools predict a damaging effect of the variant on protein function. The variant allele was found at a frequency of 2e-05 in 251228 control chromosomes. The available data on variant occurrences in the general population are insufficient to allow any conclusion about variant significance. c.3146T>C has been reported in the literature in individuals affected with Breast Cancer and Epithelial Ovarian cancer (Thompson_2015, Ramus_2015). These report(s) do not provide unequivocal conclusions about association of the variant with Hereditary forms of Breast and Ovarian Cancer. To our knowledge, no experimental evidence demonstrating an impact on protein function has been reported. Seven clinical diagnostic laboratories have submitted clinical-significance assessments for this variant to ClinVar after 2014 without evidence for independent evaluation. All laboratories classified the variant as uncertain significance. Based on the evidence outlined above, the variant was classified as uncertain significance.

Cancer Genetics Laboratory, Peter MacCallum Cancer Centre
Classification: Uncertain significance for Familial cancer of breast. Last evaluated: 2015-06-01. Review status: criteria provided, single submitter. Criteria: Thompson et al. (Breast Cancer Res. 2015). Collection method: case-control. Allele origin: germline. Affected: yes. Observed: 1 variant allele, 1 heterozygote.

PreventionGenetics, part of Exact Sciences
Classification: Uncertain significance for PALB2-related condition. Last evaluated: 2024-03-06. Review status: no assertion criteria provided. Collection method: clinical testing. Allele origin: germline. Not counted in ClinVar's aggregate classification.
Comment: The PALB2 c.3146T>C variant is predicted to result in the amino acid substitution p.Met1049Thr. This variant has been reported in individuals with osteosarcoma, breast, or ovarian cancer (Table S4, Ramus et al. 2015. PubMed ID: 26315354; Table 3, Thompson et al. 2015. PubMed ID: 26283626; Table S4a, Zang et al. 2015. PubMed ID: 26580448). This variant is reported in 0.0056% of alleles in individuals of Latino descent in gnomAD. It is interpreted as uncertain significance by the vast majority of submitters in ClinVar. At this time, the clinical significance of this variant is uncertain due to the absence of conclusive functional and genetic evidence.

Counsyl
Classification: Uncertain significance for Familial cancer of breast. Last evaluated: 2017-10-17. Review status: no assertion criteria provided. Collection method: clinical testing. Allele origin: unknown. Not counted in ClinVar's aggregate classification.

Department of Pathology and Laboratory Medicine, Sinai Health System
Classification: Uncertain significance for Malignant tumor of breast. Review status: no assertion criteria provided. Collection method: clinical testing. Allele origin: unknown. Affected: yes. Study: The Canadian Open Genetics Repository (COGR). Not counted in ClinVar's aggregate classification.
Comment: The PALB2 p.Met1049Thr variant was not identified in the literature nor was it identified in the Cosmic, LOVD 3.0, Zhejiang Colon Cancer Database, databases. The variant was identified in dbSNP (ID: rs138273800) as With Uncertain significance allele, ClinVar (classified as uncertain significance by Ambry Genetics, Invitae, Color Genomics, GeneDx), Clinvitae (classified as uncertain significance by ClinVar, Invitae), MutDB, databases. The variant was identified in control databases in 5 of 277046 chromosomes at a frequency of 0.000018 (Genome Aggregation Consortium Feb 27, 2017). Although the p.Met1049 residue is not conserved in mammals and other organisms, computational analyses (PolyPhen-2, SIFT, AlignGVGD, BLOSUM, MutationTaster) suggest that the variant may impact the protein. The variant occurs outside of the splicing consensus sequence and in silico or computational prediction software programs (SpliceSiteFinder, MaxEntScan, NNSPLICE, GeneSplicer, HumanSpliceFinder) do not predict a difference in splicing. The variant is located within the â€šÃ„Ã²WD40-repeat-containing domainâ€šÃ„Ã´ functional domain increasing the likelihood that it may have clinical significance. In summary, based on the above information, the clinical significance of this variant cannot be determined with certainty at this time. This variant is classified as a variant of uncertain significance.

Literature cited by the submitters: PubMed 26283626 (cited by 6 submitters); PubMed 26315354 (cited by 6 submitters); PubMed 26580448 (cited by 4 submitters); PubMed 33471991 (cited by Color Diagnostics, LLC DBA Color Health and Quest Diagnostics Nichols Institute San Juan Capistrano); PubMed 36627197 (cited by Quest Diagnostics Nichols Institute San Juan Capistrano); PubMed 32885271 (cited by Quest Diagnostics Nichols Institute San Juan Capistrano); PubMed 25085752 (cited by Myriad Genetics, Inc.).